The following is an entry in ClinVar:

ClinVar aggregate classification (germline): Likely benign. Review status: criteria provided, multiple submitters, no conflicts (2 of 4 stars). 2 submissions from 2 submitters: Likely benign (2). Last evaluated 2023-12-19.

Conditions:
Glycogen storage disease, type VII (GSD7). Also called: GSD VII; PFKM DEFICIENCY; TARUI DISEASE; MUSCLE PHOSPHOFRUCTOKINASE DEFICIENCY. Identifiers: Orphanet 371, MedGen C0017926, MONDO:0009295, OMIM 232800.

Allele frequency attached by ClinVar (database versions not stated): gnomAD exomes 0.00001; ExAC 0.00002.
gnomAD v4.1: 8 of 1,614,164 alleles (0.0005%); highest among the groups gnomAD compares: Non-Finnish European, 0.00068%; no homozygotes.

Submissions (2):

Labcorp Genetics (formerly Invitae), Labcorp
Classification: Likely benign for Glycogen storage disease, type VII. Last evaluated: 2023-12-19. Review status: criteria provided, single submitter. Criteria: Invitae Variant Classification Sherloc (09022015). Collection method: clinical testing. Allele origin: germline.

GeneDx
Classification: Likely benign. Last evaluated: 2017-04-27. Review status: criteria provided, single submitter. Criteria: GeneDx Variant Classification (06012015). Collection method: clinical testing. Allele origin: germline. Affected: yes.
Comment: This variant is considered likely benign or benign based on one or more of the following criteria: it is a conservative change, it occurs at a poorly conserved position in the protein, it is predicted to be benign by multiple in silico algorithms, and/or has population frequency not consistent with disease.

NM_000289.6(PFKM):c.570T>C (p.Asp190=)

Gene: PFKM (phosphofructokinase, muscle; plus strand). Cytogenetic location: 12q13.11.
Variant type: single nucleotide variant.
Coding change: c.570T>C on transcript NM_000289.6 (MANE Select); coding-DNA position 570, T replaced by C.
Protein change: p.Asp190=; no amino-acid change (aspartic acid 190 retained).
Molecular consequence: synonymous variant. On other transcripts: non-coding transcript variant (6).
Genome position (GRCh38, 1-based): chr12:48,133,457, T>C. VCF-style: chr12-48133457-T-C. GRCh37 (hg19) VCF-style: chr12-48527240-T-C.
Other names: c.783T>C, p.Asp261= (NM_001166686.2, NM_001354737.1, NM_001354738.1 and 1 more transcripts); c.570T>C, p.Asp190= (NM_001166687.2, NM_001166688.2, NM_001354742.2 and 4 more transcripts); c.879T>C, p.Asp293= (NM_001354735.1, NM_001354736.1); c.714T>C, p.Asp238= (NM_001354740.1); c.594T>C, p.Asp198= (NM_001354741.2); c.483T>C, p.Asp161= (NM_001354745.2); c.420T>C, p.Asp140= (NM_001354747.2, NM_001354748.2).
Identifiers: ClinVar variation 508846 (VCV000508846.9), dbSNP rs761133325, ClinGen allele CA6537025.